The following is an entry in ClinVar:

NM_000540.3(RYR1):c.9000+5G>A

Gene: RYR1 (ryanodine receptor 1; plus strand). Cytogenetic location: 19q13.2.
Variant type: single nucleotide variant.
Coding change: c.9000+5G>A on transcript NM_000540.3 (MANE Select); 5 bases into the intron after coding-DNA position 9000, G replaced by A.
Molecular consequence: intron variant.
Genome position (GRCh38, 1-based): chr19:38,510,570, G>A. VCF-style: chr19-38510570-G-A. GRCh37 (hg19) VCF-style: chr19-39001210-G-A.
Other names: c.9000+5G>A (NM_001042723.2).
Identifiers: ClinVar variation 4291744 (VCV004291744.1).

ClinVar aggregate classification (germline): Uncertain significance (1 of 4 stars; one submission).

Conditions:
Congenital multicore myopathy with external ophthalmoplegia (CMYO1B). Also called: Congenital myopathy 1B, autosomal recessive; Minicore myopathy; MULTICORE MYOPATHY; Minicore myopathy with external ophthalmoplegia; MULTIMINICORE DISEASE WITH EXTERNAL OPHTHALMOPLEGIA. Identifiers: Orphanet 598, Orphanet 98905, MedGen C1850674, MONDO:0009712, OMIM 255320, HP:0003789.

Submission:

3billion
Classification: Uncertain significance for Congenital multicore myopathy with external ophthalmoplegia. Last evaluated: 2024-11-13. Review status: criteria provided, single submitter. Criteria: ACMG Guidelines, 2015. Collection method: clinical testing. Allele origin: germline. Affected: yes.
Comment: The variant is not observed in the gnomAD v4.1.0 dataset. Predicted Consequence/Location: Intron variant In silico tools predict the variant to alter splicing and produce an abnormal transcript [SpliceAI: 0.75 (>=0.2, moderate evidence for spliceogenicity)]. Therefore, this variant is classified as VUS according to the recommendation of ACMG/AMP guideline.